The following is an entry in ClinVar:

ClinVar aggregate classification (germline): Benign/Likely benign. Review status: criteria provided, multiple submitters, no conflicts (2 of 4 stars). 5 submissions from 5 submitters: Benign (1); Likely benign (4). Last evaluated 2025-08-30.

Conditions:
Hereditary cancer-predisposing syndrome. Also called: Neoplastic Syndromes, Hereditary; Hereditary Cancer Syndrome; Hereditary neoplastic syndrome; Tumor predisposition. Identifiers: Orphanet 140162, MedGen C0027672, MeSH D009386, MONDO:0015356.
BAP1-related tumor predisposition syndrome (TPDS1). Also called: COMMON Syndrome; TUMOR PREDISPOSITION SYNDROME 1; BAP1 tumor predisposition syndrome; Tumor susceptibility linked to germline BAP1 mutations. Identifiers: Orphanet 289539, MedGen C3280492, MONDO:0013692, OMIM 614327.

Allele frequency attached by ClinVar (database versions not stated): gnomAD exomes below 0.00001.
gnomAD v4.1: 7 of 1,614,194 alleles (0.00043%); highest among the groups gnomAD compares: Non-Finnish European, 0.00051%; no homozygotes.

Submissions (5):

Labcorp Genetics (formerly Invitae), Labcorp
Classification: Likely benign for BAP1-related tumor predisposition syndrome. Last evaluated: 2025-08-30. Review status: criteria provided, single submitter. Criteria: Invitae Variant Classification Sherloc (09022015). Collection method: clinical testing. Allele origin: germline.

Myriad Genetics, Inc.
Classification: Benign for BAP1-related tumor predisposition syndrome. Last evaluated: 2024-07-17. Review status: criteria provided, single submitter. Criteria: Myriad Autosomal Dominant, Autosomal Recessive and X-Linked Classification Criteria (2023). Collection method: clinical testing. Allele origin: unknown.
Comment: This variant is considered benign. This variant is a silent/synonymous amino acid change and it is not expected to impact splicing.

Ambry Genetics
Classification: Likely benign for Hereditary cancer-predisposing syndrome. Last evaluated: 2024-02-28. Review status: criteria provided, single submitter. Criteria: Ambry Variant Classification Scheme 2023. Collection method: clinical testing. Allele origin: germline.

Department of Pathology and Laboratory Medicine, Sinai Health System
Classification: Likely benign for BAP1-related tumor predisposition syndrome. Last evaluated: 2024-01-22. Review status: criteria provided, single submitter. Criteria: ACMG Guidelines, 2015. Collection method: clinical testing. Allele origin: germline. Affected: yes.

Color Diagnostics, LLC DBA Color Health
Classification: Likely benign for Hereditary cancer-predisposing syndrome. Last evaluated: 2019-04-22. Review status: criteria provided, single submitter. Criteria: ACMG Guidelines, 2015. Collection method: clinical testing. Allele origin: germline.

NM_004656.4(BAP1):c.1824C>T (p.Asp608=)

Gene: BAP1 (BRCA1 associated deubiquitinase 1; minus strand). Cytogenetic location: 3p21.1.
Variant type: single nucleotide variant.
Coding change: c.1824C>T on transcript NM_004656.4 (MANE Select); coding-DNA position 1824, C replaced by T.
Protein change: p.Asp608=; no amino-acid change (aspartic acid 608 retained).
Molecular consequence: synonymous variant.
Genome position (GRCh38, 1-based): chr3:52,403,204, G>A on the plus strand (C>T on the coding strand, the complement: BAP1 is on the minus strand). VCF-style: chr3-52403204-G-A. GRCh37 (hg19) VCF-style: chr3-52437220-G-A.
Other names: c.1824C>T (NM_004656.2).
Identifiers: ClinVar variation 539935 (VCV000539935.16), dbSNP rs1553644721, ClinGen allele CA433885907.